The following is an entry in ClinVar:

NM_182961.4(SYNE1):c.21470G>A (p.Arg7157His)

Gene: SYNE1 (spectrin repeat containing nuclear envelope protein 1; minus strand). Cytogenetic location: 6q25.2.
Variant type: single nucleotide variant.
Coding change: c.21470G>A on transcript NM_182961.4 (MANE Select); coding-DNA position 21470, G replaced by A.
Protein change: p.Arg7157His; replaces arginine 7157 with histidine.
Molecular consequence: missense variant.
Genome position (GRCh38, 1-based): chr6:152,224,546, C>T on the plus strand (G>A on the coding strand, the complement: SYNE1 is on the minus strand). VCF-style: chr6-152224546-C-T. GRCh37 (hg19) VCF-style: chr6-152545681-C-T.
Other names: p.Arg7086His; c.21470G>A (NM_182961.2); c.21257G>A, p.Arg7086His (NM_033071.5); short protein forms R7086H, R7157H.
Identifiers: ClinVar variation 500091 (VCV000500091.27), dbSNP rs34963077, ClinGen allele CA4054151.

ClinVar aggregate classification (germline): Conflicting classifications of pathogenicity. Review status: criteria provided, conflicting classifications (1 of 4 stars). 7 submissions from 7 submitters: Uncertain significance (2); Benign (1); Likely benign (3). 1 of the submissions does not count toward it. Last evaluated 2026-08-04.

Conditions:
Inborn genetic diseases. Identifiers: MedGen C0950123, MeSH D030342.
SYNE1-related disorder. Also called: SYNE1-related disorders; SYNE1-related disease; SYNE1-related condition.
Autosomal recessive ataxia, Beauce type. Also called: Spinocerebellar ataxia, autosomal recessive 8; ATAXIA, RECESSIVE, OF BEAUCE; SYNE1-Related Autosomal Recessive Cerebellar Ataxia; SYNE1 Deficiency. Identifiers: Orphanet 88644, MedGen C1853116, MONDO:0012549, OMIM 610743.
Emery-Dreifuss muscular dystrophy 4, autosomal dominant (EDMD4). Also called: EMERY-DREIFUSS MUSCULAR DYSTROPHY 4 WITH VARIABLE FEATURES. Identifiers: Orphanet 261, MedGen C2751807, MONDO:0013071, OMIM 612998.

Allele frequency attached by ClinVar (database versions not stated): TOPMed 0.00102; gnomAD 0.00106 and 0.00100; 1000 Genomes Project 0.00120; gnomAD exomes 0.00014 and 0.00033; ESP Exome Variant Server 0.00100; 1000 Genomes Project 30x 0.00109; ExAC 0.00047.
gnomAD v4.1: 364 of 1,613,940 alleles (0.023%); highest among the groups gnomAD compares: African/African-American, 0.31%; no homozygotes.

Submissions (7):

GeneDx
Classification: Uncertain significance. Last evaluated: 2026-08-04. Review status: criteria provided, single submitter. Criteria: GeneDx Variant Classification Process June 2021. Collection method: clinical testing. Allele origin: germline.
Comment: In silico analysis supports that this missense variant has a deleterious effect on protein structure/function; Has not been previously published as pathogenic or benign to our knowledge

Athena Diagnostics
Classification: Benign. Last evaluated: 2025-10-23. Review status: criteria provided, single submitter. Criteria: Athena Diagnostics Criteria. Collection method: clinical testing. Allele origin: unknown.
Comment: The frequency of this variant in the general population is higher than would generally be expected for pathogenic variants in this gene.

Labcorp Genetics (formerly Invitae), Labcorp
Classification: Likely benign for Emery-Dreifuss muscular dystrophy 4, autosomal dominant; Autosomal recessive ataxia, Beauce type. Last evaluated: 2025-08-20. Review status: criteria provided, single submitter. Criteria: Invitae Variant Classification Sherloc (09022015). Collection method: clinical testing. Allele origin: germline.

Mayo Clinic Laboratories, Mayo Clinic
Classification: Likely benign. Last evaluated: 2025-08-07. Review status: criteria provided, single submitter. Criteria: ACMG Guidelines, 2015. Collection method: clinical testing. Allele origin: germline. Observed: 1 variant allele.
Comment: BS1, BP4_moderate

Ambry Genetics
Classification: Uncertain significance for Inborn genetic diseases. Last evaluated: 2021-08-17. Review status: criteria provided, single submitter. Criteria: Ambry Variant Classification Scheme 2023. Collection method: clinical testing. Allele origin: germline.

Eurofins Ntd Llc (ga)
Classification: Likely benign. Last evaluated: 2017-01-25. Review status: criteria provided, single submitter. Criteria: EGL Classification Definitions 2015. Collection method: clinical testing. Allele origin: germline. Observed: 1 variant allele, 1 heterozygote.

PreventionGenetics, part of Exact Sciences
Classification: Likely benign for SYNE1-related condition. Last evaluated: 2023-06-05. Review status: no assertion criteria provided. Collection method: clinical testing. Allele origin: germline. Not counted in ClinVar's aggregate classification.
Comment: This variant is classified as likely benign based on ACMG/AMP sequence variant interpretation guidelines (Richards et al. 2015 PMID: 25741868, with internal and published modifications).